The following is an entry in ClinVar:

NM_005228.5(EGFR):c.2890T>G (p.Leu964Val)

Gene: EGFR (epidermal growth factor receptor; plus strand). Cytogenetic location: 7p11.2.
Variant type: single nucleotide variant.
Coding change: c.2890T>G on transcript NM_005228.5 (MANE Select); coding-DNA position 2890, T replaced by G.
Protein change: p.Leu964Val; replaces leucine 964 with valine.
Molecular consequence: missense variant.
Genome position (GRCh38, 1-based): chr7:55,200,357, T>G. VCF-style: chr7-55200357-T-G. GRCh37 (hg19) VCF-style: chr7-55268050-T-G.
Other names: c.2755T>G, p.Leu919Val (NM_001346897.2, NM_001346899.2); c.2890T>G, p.Leu964Val (NM_001346898.2); c.2731T>G, p.Leu911Val (NM_001346900.2); c.2089T>G, p.Leu697Val (NM_001346941.2); short protein forms L911V, L697V, L919V, L964V.
Identifiers: ClinVar variation 2699142 (VCV002699142.2), dbSNP rs2128969871, ClinGen allele CA367581841.

ClinVar aggregate classification (germline): Uncertain significance (1 of 4 stars; one submission).

Conditions:
EGFR-related lung cancer (EGFR). Identifiers: MedGen CN130014.

Submission:

Labcorp Genetics (formerly Invitae), Labcorp
Classification: Uncertain significance for EGFR-related lung cancer. Last evaluated: 2024-01-11. Review status: criteria provided, single submitter. Criteria: Invitae Variant Classification Sherloc (09022015). Collection method: clinical testing. Allele origin: germline.
Comment: This sequence change replaces leucine, which is neutral and non-polar, with valine, which is neutral and non-polar, at codon 964 of the EGFR protein (p.Leu964Val). This variant is not present in population databases (gnomAD no frequency). This variant has not been reported in the literature in individuals affected with EGFR-related conditions. Advanced modeling of protein sequence and biophysical properties (such as structural, functional, and spatial information, amino acid conservation, physicochemical variation, residue mobility, and thermodynamic stability) performed at Invitae indicates that this missense variant is expected to disrupt EGFR protein function with a positive predictive value of 80%. In summary, the available evidence is currently insufficient to determine the role of this variant in disease. Therefore, it has been classified as a Variant of Uncertain Significance.